The following is an entry in ClinVar:

NM_000260.4(MYO7A):c.4544_4551delinsCA (p.Glu1515_Met1517delinsAla)

Gene: MYO7A (myosin VIIA; plus strand). Cytogenetic location: 11q13.5.
Variant type: Indel.
Coding change: c.4544_4551delinsCA on transcript NM_000260.4 (MANE Select); coding-DNA positions 4544 to 4551, AGATCATG replaced by CA.
Protein change: p.Glu1515_Met1517delinsAla.
Genome position (GRCh38, 1-based): chr11:77,198,597-77,198,604, AGATCATG replaced by CA. VCF-style: chr11-77198597-AGATCATG-CA. GRCh37 (hg19) VCF-style: chr11-76909642-AGATCATG-CA.
Other names: c.4544_4551delinsCA, p.Glu1515_Met1517delinsAla (NM_001127180.2); c.4511_4518delinsCA, p.Glu1504_Met1506delinsAla (NM_001369365.1); c.4544_4551delAGATCATGinsCA (NM_000260.3).
Identifiers: ClinVar variation 43245 (VCV000043245.19), dbSNP rs111033259, ClinGen allele CA278670.

ClinVar aggregate classification (germline): Pathogenic/Likely pathogenic. Review status: criteria provided, multiple submitters, no conflicts (2 of 4 stars). 8 submissions from 8 submitters: Pathogenic (3); Likely pathogenic (5). Last evaluated 2026-01-20.

Conditions:
Rare genetic deafness. Identifiers: Orphanet 96210, MedGen C5680250.
MYO7A-related disorder. Also called: MYO7A-related disorders.
Autosomal recessive nonsyndromic hearing loss 2. Also called: DEAFNESS, AUTOSOMAL RECESSIVE 2; NEUROSENSORY NONSYNDROMIC RECESSIVE DEAFNESS 2. Identifiers: Orphanet 90636, MedGen C1838701, MONDO:0010807, OMIM 600060.
Autosomal dominant nonsyndromic hearing loss 11. Identifiers: Orphanet 90635, MedGen C1832475, MONDO:0011032, OMIM 601317.
Usher syndrome type 1 (USH1). Also called: RETINITIS PIGMENTOSA AND CONGENITAL DEAFNESS. Identifiers: Orphanet 231169, Orphanet 886, MedGen C1568247, MONDO:0010168, OMIM 276900.
Usher syndrome type 1B (USH1B). Also called: Usher syndrome type IB. Identifiers: MedGen C1848638, MONDO:0700087.

Submissions (8):

Labcorp Genetics (formerly Invitae), Labcorp
Classification: Pathogenic. Last evaluated: 2026-01-20. Review status: criteria provided, single submitter. Criteria: Invitae Variant Classification Sherloc (09022015). Collection method: clinical testing. Allele origin: germline.
Comment: This variant, c.4544_4551delinsCA , is a complex sequence change that results in the deletion of 3 and insertion of 1 amino acid(s) in the MYO7A protein (p.Glu1515_Met1517delinsAla). Information on the frequency of this variant in the gnomAD database is not available, as this variant may be reported differently in the database. This variant has been observed in individual(s) with clinical features of Usher syndrome (PMID: 16963483, 27743452; internal data). In at least one individual the data is consistent with being in trans (on the opposite chromosome) from a pathogenic variant. This variant is also known as c.4543_4551delGAGATCATGinsGCA. For these reasons, this variant has been classified as Pathogenic.

Natera, Inc.
Classification: Likely pathogenic for Usher syndrome type 1B. Last evaluated: 2025-11-17. Review status: criteria provided, single submitter. Criteria: Natera Variant Classification Schema (03/2026). Collection method: clinical testing. Allele origin: germline.
Comment: The c.4544_4551delAGATCATGinsCA variant in MYO7A is a deletion-insertion (delins) variant predicted to replace one or more nucleotides with a different sequence. This variant is rare in the general population with a frequency below the threshold expected for the associated phenotype(s). This variant has been observed in one or more individuals affected with the associated recessive disease, as either homozygous or compound heterozygous with a second variant (PMID: 33576163, 27743452). Additionally, this variant has been observed to segregate in affected family members (PMID: 27743452). This variant results in a change to the protein length while preserving reading frame, which may disrupt normal protein structure or function. Computational prediction algorithms indicate this variant is likely to affect gene or protein function. Given the available evidence, this variant is classified as Likely Pathogenic.

GeneDx
Classification: Likely pathogenic. Last evaluated: 2024-06-07. Review status: criteria provided, single submitter. Criteria: GeneDx Variant Classification Process June 2021. Collection method: clinical testing. Allele origin: germline.
Comment: In-frame deletion of 3 amino acids and in-frame insertion of 1 amino acid in a non-repeat region; Not observed at significant frequency in large population cohorts (gnomAD); This variant is associated with the following publications: (PMID: 16963483, 33576163, 27743452)

Fulgent Genetics
Classification: Likely pathogenic for Usher syndrome type 1; Autosomal recessive nonsyndromic hearing loss 2; Autosomal dominant nonsyndromic hearing loss 11. Last evaluated: 2024-02-06. Review status: criteria provided, single submitter. Criteria: ACMG Guidelines, 2015. Collection method: clinical testing. Allele origin: germline.

Blueprint Genetics
Classification: Pathogenic for MYO7A-related disorders. Last evaluated: 2023-12-12. Review status: criteria provided, single submitter. Criteria: ACMG Guidelines, 2015. Collection method: clinical testing. Allele origin: germline. Affected: yes. Observed: 5 variant alleles.

Clinical Genetics Laboratory, Skane University Hospital Lund
Classification: Likely pathogenic. Last evaluated: 2023-09-25. Review status: criteria provided, single submitter. Criteria: ACMG Guidelines, 2015. Collection method: clinical testing. Allele origin: germline. Affected: yes.

Eurofins Ntd Llc (ga)
Classification: Likely pathogenic. Last evaluated: 2016-02-01. Review status: criteria provided, single submitter. Criteria: EGL Classification Definitions 2015. Collection method: clinical testing. Allele origin: germline. Observed: 1 variant allele, 1 homozygote.

Laboratory for Molecular Medicine, Mass General Brigham Personalized Medicine
Classification: Pathogenic for Rare genetic deafness. Last evaluated: 2011-07-07. Review status: criteria provided, single submitter. Criteria: LMM Criteria. Collection method: clinical testing. Allele origin: germline. Inheritance: Autosomal recessive inheritance. Observed: 4 variant alleles.
Comment: The Glu1515_Met1517delinsAla variant in MYO7A has been identified in three proba nds with Usher syndrome (personal communication, W. Kimberling and two in our la boratory). The variant replaces three amino acids with a single new amino acid a nd is therefore likely to impact protein function. In addition, two probands hav e a second pathogenic variant in MYO7A which further supports a causative role. In summary, this data suppor ts the classification of this variant as pathogenic.

Literature cited by the submitters: PubMed 16963483 (cited by Labcorp Genetics (formerly Invitae), Labcorp and Laboratory for Molecular Medicine, Mass General Brigham Personalized Medicine); PubMed 27743452 (cited by Labcorp Genetics (formerly Invitae), Labcorp and Natera, Inc.); PubMed 33576163 (cited by Natera, Inc.).